The following is an entry in ClinVar:

NM_020812.4(DOCK6):c.493G>A (p.Gly165Ser)

Gene: DOCK6 (dedicator of cytokinesis 6; minus strand). Cytogenetic location: 19p13.2.
Variant type: single nucleotide variant.
Coding change: c.493G>A on transcript NM_020812.4 (MANE Select); coding-DNA position 493, G replaced by A.
Protein change: p.Gly165Ser; replaces glycine 165 with serine.
Molecular consequence: missense variant.
Genome position (GRCh38, 1-based): chr19:11,252,133, C>T on the plus strand (G>A on the coding strand, the complement: DOCK6 is on the minus strand). VCF-style: chr19-11252133-C-T. GRCh37 (hg19) VCF-style: chr19-11362809-C-T.
Other names: c.493G>A, p.Gly165Ser (NM_001367830.1); short protein forms G165S.
Identifiers: ClinVar variation 2169884 (VCV002169884.3), dbSNP rs368947362, ClinGen allele CA9208473.

ClinVar aggregate classification (germline): Conflicting classifications of pathogenicity. Review status: criteria provided, conflicting classifications (1 of 4 stars). 2 submissions from 2 submitters: Uncertain significance (1); Likely benign (1). Last evaluated 2025-09-02.

Allele frequency attached by ClinVar (database versions not stated): TOPMed 0.00008; ExAC 0.00017; ESP Exome Variant Server 0.00025.
gnomAD v4.1: 129 of 1,588,940 alleles (0.0081%); highest among the groups gnomAD compares: South Asian, 0.012%; 1 homozygote.

Submissions (2):

Labcorp Genetics (formerly Invitae), Labcorp
Classification: Uncertain significance. Last evaluated: 2025-09-02. Review status: criteria provided, single submitter. Criteria: Invitae Variant Classification Sherloc (09022015). Collection method: clinical testing. Allele origin: germline.
Comment: This sequence change replaces glycine, which is neutral and non-polar, with serine, which is neutral and polar, at codon 165 of the DOCK6 protein (p.Gly165Ser). This variant is present in population databases (rs368947362, gnomAD 0.01%). This variant has not been reported in the literature in individuals affected with DOCK6-related conditions. ClinVar contains an entry for this variant (Variation ID: 2169884). Invitae Evidence Modeling of protein sequence and biophysical properties (such as structural, functional, and spatial information, amino acid conservation, physicochemical variation, residue mobility, and thermodynamic stability) indicates that this missense variant is not expected to disrupt DOCK6 protein function with a negative predictive value of 80%. In summary, the available evidence is currently insufficient to determine the role of this variant in disease. Therefore, it has been classified as a Variant of Uncertain Significance.

Blueprint Genetics
Classification: Likely benign. Last evaluated: 2023-01-24. Review status: criteria provided, single submitter. Criteria: ACMG Guidelines, 2015. Collection method: clinical testing. Allele origin: germline.